The following is an entry in ClinVar:

ClinVar aggregate classification (germline): Uncertain significance (1 of 4 stars; one submission).

Conditions:
Hereditary cancer-predisposing syndrome. Also called: Neoplastic Syndromes, Hereditary; Tumor predisposition; Hereditary Cancer Syndrome; Hereditary neoplastic syndrome. Identifiers: Orphanet 140162, MedGen C0027672, MeSH D009386, MONDO:0015356.

Submission:

Ambry Genetics
Classification: Uncertain significance for Hereditary cancer-predisposing syndrome. Last evaluated: 2025-07-25. Review status: criteria provided, single submitter. Criteria: Ambry Variant Classification Scheme 2023. Collection method: clinical testing. Allele origin: germline.
Comment: The c.853T>G variant (also known as p.*285Eext*32), located in coding exon 2 of the HOXB13 gene, results from a T to G substitution at nucleotide position 853. This alteration disrupts the stop codon of the HOXB13 gene and is predicted to preserve the native sequence while resulting in the elongation of the protein by 32 amino acids. The exact functional effect of the additional amino acids is unknown. Based on the available evidence, the clinical significance of this variant remains unclear.

NM_006361.6(HOXB13):c.853T>G (p.Ter285Glu)

Gene: HOXB13 (homeobox B13; minus strand). Cytogenetic location: 17q21.32.
Variant type: single nucleotide variant.
Coding change: c.853T>G on transcript NM_006361.6 (MANE Select); coding-DNA position 853, T replaced by G.
Protein change: p.Ter285Glu.
Molecular consequence: stop lost.
Genome position (GRCh38, 1-based): chr17:48,726,792, A>C on the plus strand (T>G on the coding strand, the complement: HOXB13 is on the minus strand). VCF-style: chr17-48726792-A-C. GRCh37 (hg19) VCF-style: chr17-46804154-A-C.
Other names: *285E.
Identifiers: ClinVar variation 483515 (VCV000483515.6), dbSNP rs1555558440, ClinGen allele CA400105108.